The following is an entry in ClinVar:

NM_004656.4(BAP1):c.165del (p.Glu55fs)

Gene: BAP1 (BRCA1 associated deubiquitinase 1; minus strand). Cytogenetic location: 3p21.1.
Variant type: Deletion.
Coding change: c.165del on transcript NM_004656.4 (MANE Select); coding-DNA position 165, one base deleted (G; older notation c.165delG).
Protein change: p.Glu55fs; shifts the reading frame from glutamic acid 55.
Molecular consequence: frameshift variant.
Genome position (GRCh38, 1-based): chr3:52,408,564, C deleted on the plus strand (G on the coding strand, the reverse complement: BAP1 is on the minus strand). VCF-style (leftmost placement, unchanged base first): chr3-52408563-GC-G. GRCh37 (hg19) VCF-style: chr3-52442579-GC-G.
Other names: c.165delG, p.Glu55Aspfs (NM_001410772.1); short protein forms E55fs.
Identifiers: ClinVar variation 2132954 (VCV002132954.4), dbSNP rs2471358329, ClinGen allele CA2580070312.

ClinVar aggregate classification (germline): Pathogenic (1 of 4 stars; one submission).

Conditions:
BAP1-related tumor predisposition syndrome (TPDS1). Also called: Tumor susceptibility linked to germline BAP1 mutations; COMMON Syndrome; TUMOR PREDISPOSITION SYNDROME 1; BAP1 tumor predisposition syndrome. Identifiers: Orphanet 289539, MedGen C3280492, MONDO:0013692, OMIM 614327.

Submission:

Labcorp Genetics (formerly Invitae), Labcorp
Classification: Pathogenic for BAP1-related tumor predisposition syndrome. Last evaluated: 2025-10-23. Review status: criteria provided, single submitter. Criteria: Invitae Variant Classification Sherloc (09022015). Collection method: clinical testing. Allele origin: germline.
Comment: This sequence change creates a premature translational stop signal (p.Glu55Aspfs*17) in the BAP1 gene. It is expected to result in an absent or disrupted protein product. Loss-of-function variants in BAP1 are known to be pathogenic (PMID: 21874000, 23684012). This variant is not present in population databases (gnomAD no frequency). This variant has not been reported in the literature in individuals affected with BAP1-related conditions. ClinVar contains an entry for this variant (Variation ID: 2132954). For these reasons, this variant has been classified as Pathogenic.

Literature cited by the submitters: PubMed 21874000; PubMed 23684012.